The following is an entry in ClinVar:

ClinVar aggregate classification (germline): Uncertain significance (1 of 4 stars; one submission).

gnomAD v4.1: 649 of 1,610,168 alleles (0.04%); highest among the groups gnomAD compares: Non-Finnish European, 0.046%; no homozygotes.

Submission:

CeGaT Center for Human Genetics Tuebingen
Classification: Uncertain significance. Last evaluated: 2025-12-01. Review status: criteria provided, single submitter. Criteria: CeGaT Center For Human Genetics Tuebingen Variant Classification Criteria Version 2. Collection method: clinical testing. Allele origin: germline. Affected: yes. Observed: 1 variant allele.
Comment: DNAH7: PM2, BP4

NM_018897.3(DNAH7):c.142-3T>C

Gene: DNAH7 (dynein axonemal heavy chain 7; minus strand). Cytogenetic location: 2q32.3.
Variant type: single nucleotide variant.
Coding change: c.142-3T>C on transcript NM_018897.3 (MANE Select); 3 bases into the intron before coding-DNA position 142, T replaced by C.
Molecular consequence: intron variant.
Genome position (GRCh38, 1-based): chr2:196,048,407, A>G on the plus strand (T>C on the coding strand, the complement: DNAH7 is on the minus strand). VCF-style: chr2-196048407-A-G. GRCh37 (hg19) VCF-style: chr2-196913131-A-G.
Identifiers: ClinVar variation 4681328 (VCV004681328.5).